The following is an entry in ClinVar:

ClinVar aggregate classification (germline): Conflicting classifications of pathogenicity. Review status: criteria provided, conflicting classifications (1 of 4 stars). 2 submissions from 2 submitters: Uncertain significance (1); Likely benign (1). Last evaluated 2025-11-10.

Conditions:
Hereditary breast ovarian cancer syndrome. Also called: Hereditary breast and ovarian cancer syndrome; Breast and ovarian cancer; Hereditary breast and/or ovarian cancer syndrome; Hereditary breast and ovarian cancer; BRCA1- and BRCA2-Associated Hereditary Breast and Ovarian Cancer; Hereditary breast and ovarian cancer syndrome (HBOC). Identifiers: Orphanet 145, MedGen C0677776, MeSH D061325, MONDO:0003582. Disease mechanism: loss of function.
Hereditary cancer-predisposing syndrome. Also called: Tumor predisposition; Neoplastic Syndromes, Hereditary; Hereditary neoplastic syndrome; Hereditary Cancer Syndrome. Identifiers: Orphanet 140162, MedGen C0027672, MeSH D009386, MONDO:0015356.

Submissions (2):

Labcorp Genetics (formerly Invitae), Labcorp
Classification: Uncertain significance for Hereditary breast ovarian cancer syndrome. Last evaluated: 2025-11-10. Review status: criteria provided, single submitter. Criteria: Invitae Variant Classification Sherloc (09022015). Collection method: clinical testing. Allele origin: germline.
Comment: This sequence change replaces histidine, which is basic and polar, with arginine, which is basic and polar, at codon 1350 of the BRCA2 protein (p.His1350Arg). This variant is not present in population databases (gnomAD no frequency). This missense change has been observed in individual(s) with ovarian cancer (PMID: 32211327). ClinVar contains an entry for this variant (Variation ID: 848523). Invitae Evidence Modeling of protein sequence and biophysical properties (such as structural, functional, and spatial information, amino acid conservation, physicochemical variation, residue mobility, and thermodynamic stability) indicates that this missense variant is not expected to disrupt BRCA2 protein function with a negative predictive value of 95%. In summary, the available evidence is currently insufficient to determine the role of this variant in disease. Therefore, it has been classified as a Variant of Uncertain Significance.

University of Washington Department of Laboratory Medicine, University of Washington
Classification: Likely benign for Hereditary cancer-predisposing syndrome. Last evaluated: 2023-03-23. Review status: criteria provided, single submitter. Criteria: Dines et al. (Genet Med. 2020). Collection method: curation. Allele origin: germline.
Comment: Missense variant in a coldspot region where missense variants are very unlikely to be pathogenic (PMID:31911673).

BRCA2 exon 11 coldspot. Reclassification based on statistical prior probability.

Literature cited by the submitters: PubMed 32211327 (cited by Labcorp Genetics (formerly Invitae), Labcorp).

NM_000059.4(BRCA2):c.4049A>G (p.His1350Arg)

Gene: BRCA2 (BRCA2 DNA repair associated; plus strand). Cytogenetic location: 13q13.1.
Variant type: single nucleotide variant.
Coding change: c.4049A>G on transcript NM_000059.4 (MANE Select); coding-DNA position 4049, A replaced by G.
Protein change: p.His1350Arg; replaces histidine 1350 with arginine.
Molecular consequence: missense variant.
Genome position (GRCh38, 1-based): chr13:32,338,404, A>G. VCF-style: chr13-32338404-A-G. GRCh37 (hg19) VCF-style: chr13-32912541-A-G.
Other names: short protein forms H1350R.
Identifiers: ClinVar variation 848523 (VCV000848523.11), dbSNP rs2072494442, ClinGen allele CA387779104.
Genomic context (GRCh38, chr13:32,338,404, plus strand): 5'-ATTCTCATAACTTAGAATTTGATGGCAGTGATTCAAGTAAAAATGATACTGTTTGTATTC[A>G]TAAAGATGAAACGGACTTGCTATTTACTGATCAGCACAACATATGTCTTAAATTATCTGG-3'
Protein context (NP_000050.3, residues 1340-1360): DSSKNDTVCI[His1350Arg]KDETDLLFTD